The following is an entry in ClinVar:

ClinVar aggregate classification (germline): Uncertain significance (1 of 4 stars; one submission).

Submission:

Labcorp Genetics (formerly Invitae), Labcorp
Classification: Uncertain significance. Last evaluated: 2022-08-16. Review status: criteria provided, single submitter. Criteria: Invitae Variant Classification Sherloc (09022015). Collection method: clinical testing. Allele origin: germline.
Comment: This variant has not been reported in the literature in individuals affected with PCDH15-related conditions. In summary, the available evidence is currently insufficient to determine the role of this variant in disease. Therefore, it has been classified as a Variant of Uncertain Significance. Variants that disrupt the consensus splice site are a relatively common cause of aberrant splicing (PMID: 17576681, 9536098). Algorithms developed to predict the effect of sequence changes on RNA splicing suggest that this variant is not likely to affect RNA splicing. ClinVar contains an entry for this variant (Variation ID: 1479217). This variant is not present in population databases (gnomAD no frequency). This sequence change falls in intron 27 of the PCDH15 gene. It does not directly change the encoded amino acid sequence of the PCDH15 protein. It affects a nucleotide within the consensus splice site.

Literature cited by the submitters: PubMed 17576681; PubMed 9536098.

NM_001384140.1(PCDH15):c.3718-3C>T

Gene: PCDH15 (protocadherin related 15; minus strand). Cytogenetic location: 10q21.1.
Variant type: single nucleotide variant.
Coding change: c.3718-3C>T on transcript NM_001384140.1 (MANE Select); 3 bases into the intron before coding-DNA position 3718, C replaced by T.
Molecular consequence: intron variant.
Genome position (GRCh38, 1-based): chr10:53,857,266, G>A on the plus strand (C>T on the coding strand, the complement: PCDH15 is on the minus strand). VCF-style: chr10-53857266-G-A. GRCh37 (hg19) VCF-style: chr10-55617026-G-A.
Other names: c.3733-3C>T (NM_001142763.2, NM_001142771.2); c.3718-3C>T (NM_001354420.2, NM_001354429.2, NM_001142772.2 and 4 more transcripts); c.3739-3C>T (NM_001354411.2); c.3754-3C>T (NM_001142769.3); c.3652-3C>T (NM_001354404.2, NM_001142773.2, NM_001142768.2); c.3607-3C>T (NM_001142767.2); c.3505-3C>T (NM_001142765.2).
Identifiers: ClinVar variation 1479217 (VCV001479217.9), dbSNP rs755749920, ClinGen allele CA2573145120.
Genomic context (GRCh38, chr10:53,857,266, plus strand): 5'-GAGTAGGAGGCACATTGGAAACAATGACTTGCATATCCAGCTGATTGACCACGGAGACCT[G>A]AAAGAAGAAAAAACAGAATTCATTTAATTTTTACTCACTGAAATTTCCATAATCAGAAAA-3'